The following is an entry in ClinVar:

NM_000089.4(COL1A2):c.2501T>A (p.Val834Glu)

Gene: COL1A2 (collagen type I alpha 2 chain; plus strand). Cytogenetic location: 7q21.3.
Variant type: single nucleotide variant.
Coding change: c.2501T>A on transcript NM_000089.4 (MANE Select); coding-DNA position 2501, T replaced by A.
Protein change: p.Val834Glu; replaces valine 834 with glutamic acid.
Molecular consequence: missense variant.
Genome position (GRCh38, 1-based): chr7:94,423,054, T>A. VCF-style: chr7-94423054-T-A. GRCh37 (hg19) VCF-style: chr7-94052366-T-A.
Other names: short protein forms V834E.
Identifiers: ClinVar variation 5034724 (VCV005034724.1).
Genomic context (GRCh38, chr7:94,423,054, plus strand): 5'-GGAAAGAAGGGCTTCGTGGTCCTCGTGGTGACCAAGGTCCAGTTGGCCGAACTGGAGAAG[T>A]AGGTGCAGTTGGTCCCCCTGGCTTCGCTGGTGAGAAGGGTCCCTCTGGAGAGGCTGGTAC-3'
Protein context (NP_000080.2, residues 824-844): DQGPVGRTGE[Val834Glu]GAVGPPGFAG

ClinVar aggregate classification (germline): Uncertain significance (1 of 4 stars; one submission).

Conditions:
Cardiovascular phenotype. Identifiers: MedGen CN230736.

Submission:

Ambry Genetics
Classification: Uncertain significance for Cardiovascular phenotype. Last evaluated: 2026-06-15. Review status: criteria provided, single submitter. Criteria: Ambry Variant Classification Scheme 2023. Collection method: clinical testing. Allele origin: germline.
Comment: The p.V834E variant (also known as c.2501T>A), located in coding exon 40 of the COL1A2 gene, results from a T to A substitution at nucleotide position 2501. The valine at codon 834 is replaced by glutamic acid, an amino acid with dissimilar properties. This amino acid position is conserved. In addition, the in silico prediction for this alteration is inconclusive. Based on the available evidence, the clinical significance of this variant remains unclear.